The following is an entry in ClinVar:

ClinVar aggregate classification (germline): Uncertain significance. Review status: criteria provided, multiple submitters, no conflicts (2 of 4 stars). 2 submissions from 2 submitters: Uncertain significance (2). Last evaluated 2025-09-03.

Conditions:
Mitochondrial complex II deficiency, nuclear type 1. Also called: SUCCINATE CoQ REDUCTASE DEFICIENCY. Identifiers: Orphanet 3208, MedGen C5700310, MONDO:0100294, OMIM 252011.
Pheochromocytoma/paraganglioma syndrome 5. Also called: Paragangliomas 5; SDHA-Related Hereditary Paraganglioma-Pheochromocytoma Syndrome. Identifiers: Orphanet 29072, MedGen C3279992, MONDO:0013602, OMIM 614165.
Hereditary cancer-predisposing syndrome. Also called: Neoplastic Syndromes, Hereditary; Tumor predisposition; Hereditary neoplastic syndrome; Hereditary Cancer Syndrome. Identifiers: Orphanet 140162, MedGen C0027672, MeSH D009386, MONDO:0015356.

Submissions (2):

Labcorp Genetics (formerly Invitae), Labcorp
Classification: Uncertain significance for Pheochromocytoma/paraganglioma syndrome 5; Mitochondrial complex II deficiency, nuclear type 1. Last evaluated: 2025-09-03. Review status: criteria provided, single submitter. Criteria: Invitae Variant Classification Sherloc (09022015). Collection method: clinical testing. Allele origin: germline.
Comment: This sequence change replaces cysteine, which is neutral and slightly polar, with tyrosine, which is neutral and polar, at codon 357 of the SDHA protein (p.Cys357Tyr). This variant is not present in population databases (gnomAD no frequency). This variant has not been reported in the literature in individuals affected with SDHA-related conditions. ClinVar contains an entry for this variant (Variation ID: 580845). Invitae Evidence Modeling of protein sequence and biophysical properties (such as structural, functional, and spatial information, amino acid conservation, physicochemical variation, residue mobility, and thermodynamic stability) indicates that this missense variant is not expected to disrupt SDHA protein function with a negative predictive value of 95%. In summary, the available evidence is currently insufficient to determine the role of this variant in disease. Therefore, it has been classified as a Variant of Uncertain Significance.

Ambry Genetics
Classification: Uncertain significance for Hereditary cancer-predisposing syndrome. Last evaluated: 2025-09-02. Review status: criteria provided, single submitter. Criteria: Ambry Variant Classification Scheme 2023. Collection method: clinical testing. Allele origin: germline.
Comment: The p.C357Y variant (also known as c.1070G>A), located in coding exon 9 of the SDHA gene, results from a G to A substitution at nucleotide position 1070. The cysteine at codon 357 is replaced by tyrosine, an amino acid with highly dissimilar properties. This amino acid position is well conserved in available vertebrate species. In addition, this alteration is predicted to be tolerated by in silico analysis. Based on the available evidence, the clinical significance of this variant remains unclear.

NM_004168.4(SDHA):c.1070G>A (p.Cys357Tyr)

Gene: SDHA (succinate dehydrogenase complex flavoprotein subunit A; plus strand). Cytogenetic location: 5p15.33.
Variant type: single nucleotide variant.
Coding change: c.1070G>A on transcript NM_004168.4 (MANE Select); coding-DNA position 1070, G replaced by A.
Protein change: p.Cys357Tyr; replaces cysteine 357 with tyrosine.
Molecular consequence: missense variant.
Genome position (GRCh38, 1-based): chr5:235,149, G>A. VCF-style: chr5-235149-G-A. GRCh37 (hg19) VCF-style: chr5-235264-G-A.
Other names: c.926G>A, p.Cys309Tyr (NM_001294332.2); c.1070G>A, p.Cys357Tyr (NM_001330758.2); short protein forms C357Y, C309Y.
Identifiers: ClinVar variation 580845 (VCV000580845.14), dbSNP rs1560996433, ClinGen allele CA359013388.